The following is an entry in ClinVar:

ClinVar aggregate classification (germline): Uncertain significance (1 of 4 stars; one submission).

Conditions:
Cystic fibrosis (CF). Also called: MUCOVISCIDOSIS. Identifiers: Orphanet 586, MedGen C0010674, MONDO:0009061, OMIM 219700. Disease mechanism: loss of function.

Submission:

Ambry Genetics
Classification: Uncertain significance for Cystic fibrosis. Last evaluated: 2022-04-08. Review status: criteria provided, single submitter. Criteria: Ambry Variant Classification Scheme 2023. Collection method: clinical testing. Allele origin: germline.
Comment: The p.N703D variant (also known as c.2107A>G), located in coding exon 14 of the CFTR gene, results from an A to G substitution at nucleotide position 2107. The asparagine at codon 703 is replaced by aspartic acid, an amino acid with highly similar properties. This amino acid position is conserved. In addition, the in silico prediction for this alteration is inconclusive. Since supporting evidence is limited at this time, the clinical significance of this alteration remains unclear.

NM_000492.4(CFTR):c.2107A>G (p.Asn703Asp)

Gene: CFTR (CF transmembrane conductance regulator; plus strand). Cytogenetic location: 7q31.2.
Variant type: single nucleotide variant.
Coding change: c.2107A>G on transcript NM_000492.4 (MANE Select); coding-DNA position 2107, A replaced by G.
Protein change: p.Asn703Asp; replaces asparagine 703 with aspartic acid.
Molecular consequence: missense variant.
Genome position (GRCh38, 1-based): chr7:117,592,274, A>G. VCF-style: chr7-117592274-A-G. GRCh37 (hg19) VCF-style: chr7-117232328-A-G.
Other names: short protein forms N703D.
Identifiers: ClinVar variation 1786000 (VCV001786000.2), dbSNP rs2485109939, ClinGen allele CA368979741.
Genomic context (GRCh38, chr7:117,592,274, plus strand): 5'-AAAAAACAATCTTTTAAACAGACTGGAGAGTTTGGGGAAAAAAGGAAGAATTCTATTCTC[A>G]ATCCAATCAACTCTATACGAAAATTTTCCATTGTGCAAAAGACTCCCTTACAAATGAATG-3'
Protein context (NP_000483.3, residues 693-713): FGEKRKNSIL[Asn703Asp]PINSIRKFSI